The following is an entry in ClinVar:

NM_000540.3(RYR1):c.6548+10C>T

Gene: RYR1 (ryanodine receptor 1; plus strand). Cytogenetic location: 19q13.2.
Variant type: single nucleotide variant.
Coding change: c.6548+10C>T on transcript NM_000540.3 (MANE Select); 10 bases into the intron after coding-DNA position 6548, C replaced by T.
Molecular consequence: intron variant.
Genome position (GRCh38, 1-based): chr19:38,494,635, C>T. VCF-style: chr19-38494635-C-T. GRCh37 (hg19) VCF-style: chr19-38985275-C-T.
Other names: c.6548+10C>T (NM_001042723.2).
Identifiers: ClinVar variation 507497 (VCV000507497.10), dbSNP rs368922705, ClinGen allele CA068349.

ClinVar aggregate classification (germline): Likely benign. Review status: criteria provided, multiple submitters, no conflicts (2 of 4 stars). 3 submissions from 3 submitters: Likely benign (3). Last evaluated 2025-08-18.

Conditions:
RYR1-related disorder. Also called: RYR1-related disorders; RYR1-related condition. Identifiers: MedGen CN239331.

Allele frequency attached by ClinVar (database versions not stated): ExAC 0.00001; gnomAD exomes 0.00002 and 0.00004; TOPMed 0.00005; ESP Exome Variant Server 0.00008; gnomAD 0.00011.
gnomAD v4.1: 41 of 1,613,808 alleles (0.0025%); highest among the groups gnomAD compares: Admixed American, 0.03%; no homozygotes.

Submissions (3):

Labcorp Genetics (formerly Invitae), Labcorp
Classification: Likely benign for RYR1-related disorder. Last evaluated: 2025-08-18. Review status: criteria provided, single submitter. Criteria: Invitae Variant Classification Sherloc (09022015). Collection method: clinical testing. Allele origin: germline.

Blueprint Genetics
Classification: Likely benign. Last evaluated: 2023-03-09. Review status: criteria provided, single submitter. Criteria: ACMG Guidelines, 2015. Collection method: clinical testing. Allele origin: germline.

GeneDx
Classification: Likely benign. Last evaluated: 2017-02-22. Review status: criteria provided, single submitter. Criteria: GeneDx Variant Classification (06012015). Collection method: clinical testing. Allele origin: germline. Affected: yes.
Comment: This variant is considered likely benign or benign based on one or more of the following criteria: it is a conservative change, it occurs at a poorly conserved position in the protein, it is predicted to be benign by multiple in silico algorithms, and/or has population frequency not consistent with disease.